The following is an entry in ClinVar:

ClinVar aggregate classification (germline): Uncertain significance. Review status: criteria provided, multiple submitters, no conflicts (2 of 4 stars). 2 submissions from 2 submitters: Uncertain significance (2). Last evaluated 2025-07-30.

Conditions:
Hereditary cancer-predisposing syndrome. Also called: Neoplastic Syndromes, Hereditary; Hereditary Cancer Syndrome; Hereditary neoplastic syndrome; Tumor predisposition. Identifiers: Orphanet 140162, MedGen C0027672, MeSH D009386, MONDO:0015356.
Ataxia-telangiectasia syndrome (AT). Also called: ATAXIA-TELANGIECTASIA, COMPLEMENTATION GROUP A; ATAXIA-TELANGIECTASIA, FRESNO VARIANT; Ataxia-telangiectasia, complementation group E; Ataxia telangiectasia (A-T); LOUIS-BAR SYNDROME; Cerebello-oculocutaneous telangiectasia. Identifiers: Orphanet 100, MedGen C0004135, MONDO:0008840, OMIM 208900.

Allele frequency attached by ClinVar (database versions not stated): gnomAD exomes below 0.00001.
gnomAD v4.1: 4 of 1,613,628 alleles (0.00025%); highest among the groups gnomAD compares: African/African-American, 0.0027%; no homozygotes.

Submissions (2):

Labcorp Genetics (formerly Invitae), Labcorp
Classification: Uncertain significance for Ataxia-telangiectasia syndrome. Last evaluated: 2025-07-30. Review status: criteria provided, single submitter. Criteria: Invitae Variant Classification Sherloc (09022015). Collection method: clinical testing. Allele origin: germline.
Comment: This sequence change replaces tyrosine, which is neutral and polar, with cysteine, which is neutral and slightly polar, at codon 1442 of the ATM protein (p.Tyr1442Cys). This variant is not present in population databases (gnomAD no frequency). This missense change has been observed in individual(s) with gastric cancer (PMID: 36627197). ClinVar contains an entry for this variant (Variation ID: 824799). Invitae Evidence Modeling of protein sequence and biophysical properties (such as structural, functional, and spatial information, amino acid conservation, physicochemical variation, residue mobility, and thermodynamic stability) indicates that this missense variant is expected to disrupt ATM protein function with a positive predictive value of 95%. In summary, the available evidence is currently insufficient to determine the role of this variant in disease. Therefore, it has been classified as a Variant of Uncertain Significance.

Ambry Genetics
Classification: Uncertain significance for Hereditary cancer-predisposing syndrome. Last evaluated: 2024-11-18. Review status: criteria provided, single submitter. Criteria: Ambry Variant Classification Scheme 2023. Collection method: clinical testing. Allele origin: germline.
Comment: The p.Y1442C variant (also known as c.4325A>G), located in coding exon 28 of the ATM gene, results from an A to G substitution at nucleotide position 4325. The tyrosine at codon 1442 is replaced by cysteine, an amino acid with highly dissimilar properties. This amino acid position is highly conserved in available vertebrate species. In addition, this alteration is predicted to be deleterious by in silico analysis. Since supporting evidence is limited at this time, the clinical significance of this alteration remains unclear.

Literature cited by the submitters: PubMed 36627197 (cited by Labcorp Genetics (formerly Invitae), Labcorp).

NM_000051.4(ATM):c.4325A>G (p.Tyr1442Cys)

Gene: ATM (ATM serine/threonine kinase; plus strand). Cytogenetic location: 11q22.3.
Variant type: single nucleotide variant.
Coding change: c.4325A>G on transcript NM_000051.4 (MANE Select); coding-DNA position 4325, A replaced by G.
Protein change: p.Tyr1442Cys; replaces tyrosine 1442 with cysteine.
Molecular consequence: missense variant.
Genome position (GRCh38, 1-based): chr11:108,289,690, A>G. VCF-style: chr11-108289690-A-G. GRCh37 (hg19) VCF-style: chr11-108160417-A-G.
Other names: c.4325A>G, p.Tyr1442Cys (NM_001351834.2); short protein forms Y1442C.
Identifiers: ClinVar variation 824799 (VCV000824799.15), dbSNP rs1565456320, ClinGen allele CA382531856.